The following is an entry in ClinVar:

ClinVar aggregate classification (germline): Uncertain significance (1 of 4 stars; one submission).

Conditions:
Early Myoclonic Encephalopathy. Identifiers: MedGen C0270855.

Submission:

Labcorp Genetics (formerly Invitae), Labcorp
Classification: Uncertain significance for Early Myoclonic Encephalopathy. Last evaluated: 2023-10-16. Review status: criteria provided, single submitter. Criteria: Invitae Variant Classification Sherloc (09022015). Collection method: clinical testing. Allele origin: germline.
Comment: This variant, c.7583_7585del, results in the deletion of 1 amino acid(s) of the JMJD1C protein (p.Lys2528del), but otherwise preserves the integrity of the reading frame. This variant is not present in population databases (gnomAD no frequency). This variant has not been reported in the literature in individuals affected with JMJD1C-related conditions. Experimental studies and prediction algorithms are not available or were not evaluated, and the functional significance of this variant is currently unknown. In summary, the available evidence is currently insufficient to determine the role of this variant in disease. Therefore, it has been classified as a Variant of Uncertain Significance.

NM_032776.3(JMJD1C):c.7583_7585del (p.Lys2528del)

Gene: JMJD1C (jumonji domain containing 1C; minus strand). Cytogenetic location: 10q21.3.
Variant type: Deletion.
Coding change: c.7583_7585del on transcript NM_032776.3 (MANE Select); coding-DNA positions 7583 to 7585, 3 bases deleted (AGA; older notation c.7583_7585delAGA).
Protein change: p.Lys2528del; deletes lysine 2528.
Molecular consequence: inframe deletion. On other transcripts: non-coding transcript variant (1).
Genome position (GRCh38, 1-based): chr10:63,168,083-63,168,085, TCT deleted on the plus strand (AGA on the coding strand, the reverse complement: JMJD1C is on the minus strand); deleting any 3 consecutive bases within chr10:63,168,083-63,168,087 gives the same sequence; the c. name uses the placement nearest the transcript's 3' end. VCF-style (leftmost placement, unchanged base first): chr10-63168082-ATCT-A. GRCh37 (hg19) VCF-style: chr10-64927842-ATCT-A.
Other names: c.7037_7039del, p.Lys2346del (NM_001282948.2, NM_001318154.2); c.6719_6721del, p.Lys2240del (NM_001318153.2); c.7469_7471del, p.Lys2490del (NM_001322252.2); c.6926_6928del, p.Lys2309del (NM_001322254.2, NM_001322258.2); short protein forms K2346del, K2490del, K2528del, K2240del, K2309del.
Identifiers: ClinVar variation 2889879 (VCV002889879.3), dbSNP rs2492126143, ClinGen allele CA2739275706.
Genomic context (GRCh38, chr10:63,168,082, plus strand): 5'-AAAAATATCAAACTGGATCACACTTAATTTTCTTCCATATCCTCTACTTCATCCTCGTGT[ATCT>A]TCAAGGCTCTCACCATTTCTTTGACTGCATGATACAAAATATTTTTAACCTGAAAGAGAT-3'